The following is an entry in ClinVar:

NM_001130987.2(DYSF):c.3838_3841del (p.Arg1280fs)

Gene: DYSF (dysferlin; plus strand). Cytogenetic location: 2p13.2.
Variant type: Deletion.
Coding change: c.3838_3841del on transcript NM_001130987.2 (MANE Select); coding-DNA positions 3838 to 3841, 4 bases deleted (AGGG; older notation c.3838_3841delAGGG).
Protein change: p.Arg1280fs; shifts the reading frame from arginine 1280.
Molecular consequence: frameshift variant.
Genome position (GRCh38, 1-based): chr2:71,600,783-71,600,786, AGGG deleted; deleting any 4 consecutive bases within chr2:71,600,782-71,600,786 gives the same sequence; the c. name uses the placement nearest the transcript's 3' end. VCF-style (leftmost placement, unchanged base first): chr2-71600781-CGAGG-C. GRCh37 (hg19) VCF-style: chr2-71827911-CGAGG-C.
Other names: c.3787_3790del, p.Arg1263fs (NM_001130455.2, NM_001130983.2); c.3742_3745del, p.Arg1248fs (NM_001130976.2, NM_001130977.2); c.3784_3787del, p.Arg1262fs (NM_001130978.2, NM_003494.4); c.3877_3880del, p.Arg1293fs (NM_001130979.2); c.3835_3838del, p.Arg1279fs (NM_001130980.2, NM_001130981.2); c.3880_3883del, p.Arg1294fs (NM_001130982.2); c.3745_3748del, p.Arg1249fs (NM_001130984.2, NM_001130986.2); c.3838_3841del, p.Arg1280fs (NM_001130985.2); short protein forms R1248fs, R1249fs, R1262fs, R1263fs, R1279fs, R1280fs, R1293fs, R1294fs.
Identifiers: ClinVar variation 3069154 (VCV003069154.1), dbSNP rs2546061617, ClinGen allele CA2825001158.

ClinVar aggregate classification (germline): Pathogenic (1 of 4 stars; one submission).

Conditions:
Neuromuscular disease caused by qualitative or quantitative defects of dysferlin. Also called: Dysferlinopathy; Qualitative or quantitative defects of dysferlin. Identifiers: Orphanet 207073, MedGen C2931687, MONDO:0016145.

Submission:

Illumina Laboratory Services, Illumina
Classification: Pathogenic for Neuromuscular disease caused by qualitative or quantitative defects of dysferlin. Last evaluated: 2022-05-06. Review status: criteria provided, single submitter. Criteria: ICSLVariantClassificationCriteria RUGD 01 April 2020. Collection method: clinical testing. Allele origin: unknown.
Comment: The DYSF c.3838_3841delAGGG p.(Arg1280AlafsTer82) variant causes a shift in the protein reading frame that is predicted to result in premature termination of the protein. Loss of normal protein function through either protein truncation or nonsense-mediated mRNA decay is expected. To our knowledge, this variant has not been reported in the peer-reviewed literature. This variant is not found in version 2.1.1 or version 3.1.2 of the Genome Aggregation Database. Based on the available evidence, the c.3838_3841delAGGG p.(Arg1280AlafsTer82) variant is classified as pathogenic for dysferlinopathy.